The following is an entry in ClinVar:

NM_020853.2(FAM234B):c.561A>G (p.Val187=)

Gene: FAM234B (family with sequence similarity 234 member B; plus strand). Cytogenetic location: 12p13.1.
Variant type: single nucleotide variant.
Coding change: c.561A>G on transcript NM_020853.2 (MANE Select); coding-DNA position 561, A replaced by G.
Protein change: p.Val187=; no amino-acid change (valine 187 retained).
Molecular consequence: synonymous variant.
Genome position (GRCh38, 1-based): chr12:13,061,603, A>G. VCF-style: chr12-13061603-A-G. GRCh37 (hg19) VCF-style: chr12-13214537-A-G.
Identifiers: ClinVar variation 3060677 (VCV003060677.2), dbSNP rs3741818, ClinGen allele CA6459551.

ClinVar aggregate classification (germline): Benign (0 of 4 stars; one submission).

Conditions:
FAM234B-related disorder. Also called: FAM234B-related condition.

Allele frequency attached by ClinVar (database versions not stated): 1000 Genomes Project 30x 0.62914; 1000 Genomes Project 0.63139; ExAC 0.75033; TOPMed 0.70890; gnomAD 0.72756; ESP Exome Variant Server 0.74496.
gnomAD v4.1: 1,312,165 of 1,612,674 alleles (81%); highest among the groups gnomAD compares: Non-Finnish European, 86%; 542,590 homozygotes.

Submission:

PreventionGenetics, part of Exact Sciences
Classification: Benign for FAM234B-related condition. Last evaluated: 2019-10-16. Review status: no assertion criteria provided. Collection method: clinical testing. Allele origin: germline.
Comment: This variant is classified as benign based on ACMG/AMP sequence variant interpretation guidelines (Richards et al. 2015 PMID: 25741868, with internal and published modifications).